The following is an entry in ClinVar:

ClinVar aggregate classification (germline): Uncertain significance. Review status: criteria provided, multiple submitters, no conflicts (2 of 4 stars). 3 submissions from 3 submitters: Uncertain significance (3). Last evaluated 2022-08-25.

Conditions:
Familial cancer of breast. Also called: hereditary breast carcinoma; BREAST CANCER, FAMILIAL; Hereditary breast cancer. Identifiers: Orphanet 227535, MedGen C0346153, MONDO:0016419, OMIM 114480. Disease mechanism: loss of function.
Ovarian cancer. Also called: OVARIAN CANCER, SOMATIC. Identifiers: Orphanet 213500, MedGen C1140680, MONDO:0008170, OMIM 167000.
Hereditary cancer-predisposing syndrome. Also called: Hereditary Cancer Syndrome; Hereditary neoplastic syndrome; Neoplastic Syndromes, Hereditary; Tumor predisposition. Identifiers: Orphanet 140162, MedGen C0027672, MeSH D009386, MONDO:0015356.
Hereditary diffuse gastric adenocarcinoma (HDGC). Also called: DIFFUSE GASTRIC AND LOBULAR BREAST CANCER SYNDROME. Identifiers: Orphanet 26106, MedGen C1708349, MONDO:0007648, OMIM 137215.

Submissions (3):

Labcorp Genetics (formerly Invitae), Labcorp
Classification: Uncertain significance for Hereditary diffuse gastric adenocarcinoma. Last evaluated: 2022-08-25. Review status: criteria provided, single submitter. Criteria: Invitae Variant Classification Sherloc (09022015). Collection method: clinical testing. Allele origin: germline.
Comment: This sequence change replaces aspartic acid, which is acidic and polar, with serine, which is neutral and polar, at codon 805 of the CDH1 protein (p.Asp805Ser). In summary, the available evidence is currently insufficient to determine the role of this variant in disease. Therefore, it has been classified as a Variant of Uncertain Significance. Algorithms developed to predict the effect of missense changes on protein structure and function are either unavailable or do not agree on the potential impact of this missense change (SIFT: "Not Available"; PolyPhen-2: "Probably Damaging"; Align-GVGD: "Not Available"). ClinVar contains an entry for this variant (Variation ID: 921695). This variant has not been reported in the literature in individuals affected with CDH1-related conditions. Information on the frequency of this variant in the gnomAD database is not available, as this variant may be reported differently in the database.

Department of Pathology and Laboratory Medicine, Sinai Health System
Classification: Uncertain significance for Familial cancer of breast; Ovarian cancer. Last evaluated: 2019-11-19. Review status: criteria provided, single submitter. Criteria: ACMG Guidelines, 2015. Collection method: clinical testing. Allele origin: germline. Affected: yes.

Color Diagnostics, LLC DBA Color Health
Classification: Uncertain significance for Hereditary cancer-predisposing syndrome. Last evaluated: 2019-11-14. Review status: criteria provided, single submitter. Criteria: ACMG Guidelines, 2015. Collection method: clinical testing. Allele origin: germline.
Comment: This variant replaces aspartic acid with serine at codon 805 of the CDH1 protein. Computational prediction is inconclusive regarding the impact of this variant on protein structure and function (internally defined REVEL score threshold 0.5 < inconclusive < 0.7, PMID: 27666373). Splice site prediction tools suggest that this variant may not impact RNA splicing. To our knowledge, functional studies have not been performed for this variant. This variant has not been reported in individuals affected with hereditary cancer in the literature. This variant has not been identified in the general population by the Genome Aggregation Database (gnomAD). The available evidence is insufficient to determine the role of this variant in disease conclusively. Therefore, this variant is classified as a Variant of Uncertain Significance.

NM_004360.5(CDH1):c.2413_2414delinsAG (p.Asp805Ser)

Gene: CDH1 (cadherin 1; plus strand). Cytogenetic location: 16q22.1.
Variant type: Indel.
Coding change: c.2413_2414delinsAG on transcript NM_004360.5 (MANE Select); coding-DNA positions 2413 to 2414, GA replaced by AG.
Protein change: p.Asp805Ser; replaces aspartic acid 805 with serine.
Molecular consequence: missense variant.
Genome position (GRCh38, 1-based): chr16:68,829,771-68,829,772, GA replaced by AG. VCF-style: chr16-68829771-GA-AG. GRCh37 (hg19) VCF-style: chr16-68863674-GA-AG.
Other names: c.2230_2231delinsAG, p.Asp744Ser (NM_001317184.2); c.865_866delinsAG, p.Asp289Ser (NM_001317185.2); c.448_449delinsAG, p.Asp150Ser (NM_001317186.2); short protein forms D150S, D289S, D744S, D805S.
Identifiers: ClinVar variation 921695 (VCV000921695.10), dbSNP rs1961433417, ClinGen allele CA1139664744.